The following is an entry in ClinVar:

ClinVar aggregate classification (germline): Uncertain significance (1 of 4 stars; one submission).

Allele frequency attached by ClinVar (database versions not stated): ExAC 0.00002; gnomAD 0.00002; TOPMed 0.00001; gnomAD exomes 0.00002.
gnomAD v4.1: 26 of 1,612,892 alleles (0.0016%); highest among the groups gnomAD compares: Non-Finnish European, 0.002%; no homozygotes.

Submission:

GeneDx
Classification: Uncertain significance. Last evaluated: 2019-08-12. Review status: criteria provided, single submitter. Criteria: GeneDx Variant Classification Process June 2021. Collection method: clinical testing. Allele origin: germline. Affected: yes.
Comment: Not observed at a significant frequency in large population cohorts (Lek et al., 2016); In silico analysis, which includes protein predictors and evolutionary conservation, supports that this variant does not alter protein structure/function; Has not been previously published as pathogenic or benign to our knowledge

NM_001160148.2(DDHD1):c.1277A>G (p.Lys426Arg)

Gene: DDHD1 (DDHD domain containing 1; minus strand). Cytogenetic location: 14q22.1.
Variant type: single nucleotide variant.
Coding change: c.1277A>G on transcript NM_001160148.2 (MANE Select); coding-DNA position 1277, A replaced by G.
Protein change: p.Lys426Arg; replaces lysine 426 with arginine.
Molecular consequence: missense variant.
Genome position (GRCh38, 1-based): chr14:53,091,797, T>C on the plus strand (A>G on the coding strand, the complement: DDHD1 is on the minus strand). VCF-style: chr14-53091797-T-C. GRCh37 (hg19) VCF-style: chr14-53558515-T-C.
Other names: c.1298A>G, p.Lys433Arg (NM_001160147.2); c.1277A>G, p.Lys426Arg (NM_030637.3); short protein forms K433R, K426R.
Identifiers: ClinVar variation 972955 (VCV000972955.4), dbSNP rs764461965, ClinGen allele CA7191291.